The following is an entry in ClinVar:

NM_006648.4(WNK2):c.4915G>A (p.Gly1639Ser)

Gene: WNK2 (WNK lysine deficient protein kinase 2; plus strand). Cytogenetic location: 9q22.31.
Variant type: single nucleotide variant.
Coding change: c.4915G>A on transcript NM_006648.4 (MANE Select); coding-DNA position 4915, G replaced by A.
Protein change: p.Gly1639Ser; replaces glycine 1639 with serine.
Molecular consequence: missense variant.
Genome position (GRCh38, 1-based): chr9:93,290,026, G>A. VCF-style: chr9-93290026-G-A. GRCh37 (hg19) VCF-style: chr9-96052308-G-A.
Other names: c.5026G>A, p.Gly1676Ser (NM_001282394.3); short protein forms G1639S, G1676S.
Identifiers: ClinVar variation 4605333 (VCV004605333.1).

ClinVar aggregate classification (germline): Uncertain significance (1 of 4 stars; one submission).

Submission:

Ambry Genetics
Classification: Uncertain significance. Last evaluated: 2025-11-04. Review status: criteria provided, single submitter. Criteria: Ambry Variant Classification Scheme 2023. Collection method: clinical testing. Allele origin: germline.
Comment: The p.G1639S variant (also known as c.4915G>A), located in coding exon 20 of the WNK2 gene, results from a G to A substitution at nucleotide position 4915. The glycine at codon 1639 is replaced by serine, an amino acid with similar properties. This amino acid position is conserved. In addition, this alteration is predicted to be tolerated by in silico analysis. Based on the available evidence, the clinical significance of this variant remains unclear.